The following is an entry in ClinVar:

ClinVar aggregate classification (germline): Uncertain significance (1 of 4 stars; one submission).

Submission:

GeneDx
Classification: Uncertain significance. Last evaluated: 2024-05-17. Review status: criteria provided, single submitter. Criteria: GeneDx Variant Classification Process June 2021. Collection method: clinical testing. Allele origin: germline. Affected: yes.
Comment: Not observed at significant frequency in large population cohorts (gnomAD); In silico analysis supports that this missense variant has a deleterious effect on protein structure/function; Has not been previously published as pathogenic or benign to our knowledge

NM_182931.3(KMT2E):c.2608C>T (p.Pro870Ser)

Gene: KMT2E (lysine methyltransferase 2E (inactive); plus strand). Cytogenetic location: 7q22.3.
Variant type: single nucleotide variant.
Coding change: c.2608C>T on transcript NM_182931.3 (MANE Select); coding-DNA position 2608, C replaced by T.
Protein change: p.Pro870Ser; replaces proline 870 with serine.
Molecular consequence: missense variant.
Genome position (GRCh38, 1-based): chr7:105,106,533, C>T. VCF-style: chr7-105106533-C-T. GRCh37 (hg19) VCF-style: chr7-104746980-C-T.
Other names: c.2608C>T, p.Pro870Ser (NM_001410908.1, NM_018682.4); short protein forms P870S.
Identifiers: ClinVar variation 3378046 (VCV003378046.1).